The following is an entry in ClinVar:

ClinVar aggregate classification (germline): Uncertain significance (1 of 4 stars; one submission).

Conditions:
CREBBP-related disorder. Also called: CREBBP-related condition; CREBBP-related disorders.

Submission:

PreventionGenetics, part of Exact Sciences
Classification: Uncertain significance for CREBBP-related condition. Last evaluated: 2025-11-12. Review status: criteria provided, single submitter. Criteria: ACMG Guidelines, 2015. Collection method: clinical testing. Allele origin: germline.
Comment: The CREBBP c.770A>G variant is predicted to result in the amino acid substitution p.Asn257Ser. To our knowledge, this variant has not been reported in the literature or in a large population database (gnomAD), indicating this variant is rare. At this time, the clinical significance of this variant is uncertain due to the absence of conclusive functional and genetic evidence.

NM_004380.3(CREBBP):c.770A>G (p.Asn257Ser)

Gene: CREBBP (CREB binding lysine acetyltransferase; minus strand). Cytogenetic location: 16p13.3.
Variant type: single nucleotide variant.
Coding change: c.770A>G on transcript NM_004380.3 (MANE Select); coding-DNA position 770, A replaced by G.
Protein change: p.Asn257Ser; replaces asparagine 257 with serine.
Molecular consequence: missense variant.
Genome position (GRCh38, 1-based): chr16:3,850,325, T>C on the plus strand (A>G on the coding strand, the complement: CREBBP is on the minus strand). VCF-style: chr16-3850325-T-C. GRCh37 (hg19) VCF-style: chr16-3900326-T-C.
Other names: c.770A>G, p.Asn257Ser (NM_001079846.1); short protein forms N257S.
Identifiers: ClinVar variation 4996256 (VCV004996256.1).